The following is an entry in ClinVar:

ClinVar aggregate classification (germline): Pathogenic/Likely pathogenic. Review status: criteria provided, multiple submitters, no conflicts (2 of 4 stars). 2 submissions from 2 submitters: Pathogenic (1); Likely pathogenic (1). Last evaluated 2023-12-11.

Conditions:
KBG syndrome (KBGS). Also called: ANKRD11-Related KBG Syndrome. Identifiers: Orphanet 2332, MedGen C0220687, MONDO:0007846, OMIM 148050.

Submissions (2):

GeneDx
Classification: Pathogenic. Last evaluated: 2023-12-11. Review status: criteria provided, single submitter. Criteria: GeneDx Variant Classification Process June 2021. Collection method: clinical testing. Allele origin: germline. Affected: yes.
Comment: Nonsense variant predicted to result in protein truncation or nonsense mediated decay in a gene for which loss of function is a known mechanism of disease; Not observed at significant frequency in large population cohorts (gnomAD); This variant is associated with the following publications: (PMID: 34971082, 32124548)

Genetics Laboratory, UDIAT-Centre Diagnòstic, Hospital Universitari Parc Tauli
Classification: Likely pathogenic for KBG syndrome. Last evaluated: 2022-10-04. Review status: criteria provided, single submitter. Criteria: Parc Tauli Hospital Assertion Criteria 2021. Collection method: clinical testing. Allele origin: unknown. Inheritance: Autosomal dominant inheritance. Affected: yes.
Comment: PVS1;PM2_supporting

NM_013275.6(ANKRD11):c.5146G>T (p.Glu1716Ter)

Gene: ANKRD11 (ankyrin repeat domain 11; minus strand). Cytogenetic location: 16q24.3.
Variant type: single nucleotide variant.
Coding change: c.5146G>T on transcript NM_013275.6 (MANE Select); coding-DNA position 5146, G replaced by T.
Protein change: p.Glu1716Ter; replaces glutamic acid 1716 with a stop codon.
Molecular consequence: nonsense.
Genome position (GRCh38, 1-based): chr16:89,281,396, C>A on the plus strand (G>T on the coding strand, the complement: ANKRD11 is on the minus strand). VCF-style: chr16-89281396-C-A. GRCh37 (hg19) VCF-style: chr16-89347804-C-A.
Other names: c.5146G>T, p.Glu1716Ter (NM_001256182.2, NM_001256183.2); c.5146G>T (NM_013275.5); short protein forms E1716*.
Identifiers: ClinVar variation 1708212 (VCV001708212.3), dbSNP rs2034229995, ClinGen allele CA397155449.
Genomic context (GRCh38, chr16:89,281,396, plus strand): 5'-CGAGGTCCGCGTAGTCATCGGCGCTGCAGGACGGGGTCCTGGGCGTGTGCATCACCTCCT[C>A]GTAGCTGGGGCAGGATAGCACCGACGTAGGGGTGGGCACGCCAGTGGGCCGGCTCTGGTC-3'